The following is an entry in ClinVar:

NM_000719.7(CACNA1C):c.6084G>C (p.Gln2028His)

Genes: CACNA1C-AS1 (CACNA1C antisense RNA 1; minus strand), CACNA1C (calcium voltage-gated channel subunit alpha1 C; plus strand). Cytogenetic location: 12p13.33.
Variant type: single nucleotide variant.
Coding change: c.6084G>C on transcript NM_000719.7 (MANE Select); coding-DNA position 6084, G replaced by C.
Protein change: p.Gln2028His; replaces glutamine 2028 with histidine.
Molecular consequence: missense variant.
Genome position (GRCh38, 1-based): chr12:2,688,746, G>C. VCF-style: chr12-2688746-G-C. GRCh37 (hg19) VCF-style: chr12-2797912-G-C.
Other names: c.6228G>C, p.Gln2076His (NM_001129827.2); c.6207G>C, p.Gln2069His (NM_001129829.2); c.6189G>C, p.Gln2063His (NM_001129830.3, NM_001167624.3); c.6168G>C, p.Gln2056His (NM_001129831.2); c.6144G>C, p.Gln2048His (NM_001129832.2); c.6141G>C, p.Gln2047His (NM_001129833.2, NM_001129834.2, NM_001129835.2); c.6135G>C, p.Gln2045His (NM_001129836.2); c.6108G>C, p.Gln2036His (NM_001129837.2, NM_001129838.2); and 6 more; short protein forms Q2034H, Q2069H, Q2076H, Q2036H, Q2056H, Q2063H, Q2017H, Q2025H.
Identifiers: ClinVar variation 3714911 (VCV003714911.2).

ClinVar aggregate classification (germline): Uncertain significance (1 of 4 stars; one submission).

Conditions:
Long QT syndrome (LQTS). Identifiers: MedGen C0023976, MeSH D008133, MONDO:0002442. Disease mechanism: loss of function. Inheritance: Various modes of inheritance.

gnomAD v4.1: 4 of 1,581,382 alleles (0.00025%); highest among the groups gnomAD compares: Middle Eastern, 0.017%; no homozygotes.

Submission:

Labcorp Genetics (formerly Invitae), Labcorp
Classification: Uncertain significance for Long QT syndrome. Last evaluated: 2024-12-20. Review status: criteria provided, single submitter. Criteria: Invitae Variant Classification Sherloc (09022015). Collection method: clinical testing. Allele origin: germline.
Comment: This sequence change replaces glutamine, which is neutral and polar, with histidine, which is basic and polar, at codon 2028 of the CACNA1C protein (p.Gln2028His). This variant is present in population databases (rs767141738, gnomAD 0.007%). This variant has not been reported in the literature in individuals affected with CACNA1C-related conditions. Invitae Evidence Modeling of protein sequence and biophysical properties (such as structural, functional, and spatial information, amino acid conservation, physicochemical variation, residue mobility, and thermodynamic stability) indicates that this missense variant is not expected to disrupt CACNA1C protein function with a negative predictive value of 95%. In summary, the available evidence is currently insufficient to determine the role of this variant in disease. Therefore, it has been classified as a Variant of Uncertain Significance.